The following is an entry in ClinVar:

NM_002048.3(GAS1):c.680T>G (p.Leu227Arg)

Gene: GAS1 (growth arrest specific 1; minus strand). Cytogenetic location: 9q21.33.
Variant type: single nucleotide variant.
Coding change: c.680T>G on transcript NM_002048.3 (MANE Select); coding-DNA position 680, T replaced by G.
Protein change: p.Leu227Arg; replaces leucine 227 with arginine.
Molecular consequence: missense variant.
Genome position (GRCh38, 1-based): chr9:86,946,100, A>C on the plus strand (T>G on the coding strand, the complement: GAS1 is on the minus strand). VCF-style: chr9-86946100-A-C. GRCh37 (hg19) VCF-style: chr9-89561015-A-C.
Other names: short protein forms L227R.
Identifiers: ClinVar variation 3724002 (VCV003724002.2).
Genomic context (GRCh38, chr9:86,946,100, plus strand): 5'-TCGGCGCCGAAGCACAGGCGGGCCATGTTCTCCTTGACCGACTCGCAGATGGGCCGCTCG[A>C]GGCCGTCGCACACGCAGTCGTTGAGCAGCGCCGCCTTGGGCATAGCCAGCATGTCCTCAA-3'
Protein context (NP_002039.2, residues 217-237): ALLNDCVCDG[Leu227Arg]ERPICESVKE

ClinVar aggregate classification (germline): Uncertain significance (1 of 4 stars; one submission).

Submission:

Labcorp Genetics (formerly Invitae), Labcorp
Classification: Uncertain significance. Last evaluated: 2024-10-29. Review status: criteria provided, single submitter. Criteria: Invitae Variant Classification Sherloc (09022015). Collection method: clinical testing. Allele origin: germline.
Comment: This sequence change replaces leucine, which is neutral and non-polar, with arginine, which is basic and polar, at codon 227 of the GAS1 protein (p.Leu227Arg). This variant is not present in population databases (gnomAD no frequency). This variant has not been reported in the literature in individuals affected with GAS1-related conditions. An algorithm developed to predict the effect of missense changes on protein structure and function (PolyPhen-2) suggests that this variant is likely to be disruptive. In summary, the available evidence is currently insufficient to determine the role of this variant in disease. Therefore, it has been classified as a Variant of Uncertain Significance.